The following is an entry in ClinVar:

ClinVar aggregate classification (germline): Likely benign (1 of 4 stars; one submission).

Conditions:
Telangiectasia, hereditary hemorrhagic, type 1 (HHT1). Also called: Osler Weber Rendu syndrome type 1; ENG-Related Hereditary Hemorrhagic Telangiectasia. Identifiers: Orphanet 774, MedGen C4551861, MONDO:0008535, OMIM 187300. Disease mechanism: loss of function.

Allele frequency attached by ClinVar (database versions not stated): gnomAD exomes 0.00058; 1000 Genomes Project 0.00060; TOPMed 0.00061; 1000 Genomes Project 30x 0.00078; gnomAD 0.00081.
gnomAD v4.1: 124 of 155,624 alleles (0.08%); highest among the groups gnomAD compares: Non-Finnish European, 0.12%; no homozygotes.

Submission:

Illumina Laboratory Services, Illumina
Classification: Likely benign for Telangiectasia, hereditary hemorrhagic, type 1. Last evaluated: 2018-01-13. Review status: criteria provided, single submitter. Criteria: ICSL Variant Classification Criteria 13 December 2019. Collection method: clinical testing. Allele origin: germline.
Comment: This variant was observed in the ICSL laboratory as part of a predisposition screen in an ostensibly healthy population. It had not been previously curated by ICSL or reported in the Human Gene Mutation Database (HGMD: prior to June 1st, 2018), and was therefore a candidate for classification through an automated scoring system. Utilizing variant allele frequency, disease prevalence and penetrance estimates, and inheritance mode, an automated score was calculated to assess if this variant is too frequent to cause the disease. Based on the score and internal cut-off values, a variant classified as likely benign is not then subjected to further curation. The score for this variant resulted in a classification of likely benign for this disease.

NM_001114753.3(ENG):c.*491C>T

Gene: ENG (endoglin; minus strand). Cytogenetic location: 9q34.11.
Variant type: single nucleotide variant.
Coding change: c.*491C>T on transcript NM_001114753.3 (MANE Select); 491 bases downstream of the stop codon, C replaced by T.
Molecular consequence: 3 prime UTR variant.
Genome position (GRCh38, 1-based): chr9:127,815,191, G>A on the plus strand (C>T on the coding strand, the complement: ENG is on the minus strand). VCF-style: chr9-127815191-G-A. GRCh37 (hg19) VCF-style: chr9-130577470-G-A.
Other names: c.*726C>T (NM_000118.4); c.*491C>T (NM_001278138.2).
Identifiers: ClinVar variation 365077 (VCV000365077.7), dbSNP rs190129922, ClinGen allele CA10632636.